The following is an entry in ClinVar:

NM_015335.5(MED13L):c.47A>G (p.Asp16Gly)

Gene: MED13L (mediator complex subunit 13L; minus strand). Cytogenetic location: 12q24.21.
Variant type: single nucleotide variant.
Coding change: c.47A>G on transcript NM_015335.5 (MANE Select); coding-DNA position 47, A replaced by G.
Protein change: p.Asp16Gly; replaces aspartic acid 16 with glycine.
Molecular consequence: missense variant.
Genome position (GRCh38, 1-based): chr12:116,277,085, T>C on the plus strand (A>G on the coding strand, the complement: MED13L is on the minus strand). VCF-style: chr12-116277085-T-C. GRCh37 (hg19) VCF-style: chr12-116714890-T-C.
Other names: short protein forms D16G.
Identifiers: ClinVar variation 2585338 (VCV002585338.1), dbSNP rs2500191290, ClinGen allele CA386927912.

ClinVar aggregate classification (germline): Uncertain significance (1 of 4 stars; one submission).

Conditions:
Cardiac anomalies - developmental delay - facial dysmorphism syndrome (MRFACD). Also called: Impaired intellectual development and distinctive facial features with or without cardiac defects; MED13L Syndrome. Identifiers: Orphanet 369891, MedGen C5192431, MONDO:0014773, OMIM 616789.

Submission:

Neuberg Centre For Genomic Medicine, NCGM
Classification: Uncertain significance for Cardiac anomalies - developmental delay - facial dysmorphism syndrome. Review status: criteria provided, single submitter. Criteria: ACMG Guidelines, 2015. Collection method: clinical testing. Allele origin: germline. Inheritance: Autosomal dominant inheritance. Affected: yes.
Comment: The missense variant in c.47A>G (p.Asp16Gly) in MED13L gene has not been reported previously as a pathogenic variant nor as a benign variant, to our knowledge. The p.Asn541Asp variant is novel (not in any individuals) in gnomAD Exomes and 1000 Genomes. This variant has not been reported to the ClinVar database. The amino acid Asp at position 16 is changed to a Gly changing protein sequence and it might alter its composition and physico-chemical properties. The variant is predicted to be damaging by SIFT and the residue is conserved across species. The amino acid change p.Asp16Gly in MED13L is predicted as conserved by GERP++ and PhyloP across 100 vertebrates. For these reasons, this variant has been classified as Uncertain Significance.